The following is an entry in ClinVar:

NM_006269.2(RP1):c.864C>G (p.Cys288Trp)

Gene: RP1 (RP1 axonemal microtubule associated; plus strand). Cytogenetic location: 8q12.1.
Variant type: single nucleotide variant.
Coding change: c.864C>G on transcript NM_006269.2 (MANE Select); coding-DNA position 864, C replaced by G.
Protein change: p.Cys288Trp; replaces cysteine 288 with tryptophan.
Molecular consequence: missense variant. On other transcripts: intron variant (1).
Genome position (GRCh38, 1-based): chr8:54,624,746, C>G. VCF-style: chr8-54624746-C-G. GRCh37 (hg19) VCF-style: chr8-55537306-C-G.
Other names: c.787+2458C>G (NM_001375654.1); short protein forms C288W.
Identifiers: ClinVar variation 860048 (VCV000860048.10), dbSNP rs1805980371, ClinGen allele CA370988750.

ClinVar aggregate classification (germline): Uncertain significance (1 of 4 stars; one submission).

Submission:

Labcorp Genetics (formerly Invitae), Labcorp
Classification: Uncertain significance. Last evaluated: 2025-04-26. Review status: criteria provided, single submitter. Criteria: Invitae Variant Classification Sherloc (09022015). Collection method: clinical testing. Allele origin: germline.
Comment: This sequence change replaces cysteine, which is neutral and slightly polar, with tryptophan, which is neutral and slightly polar, at codon 288 of the RP1 protein (p.Cys288Trp). This variant is not present in population databases (gnomAD no frequency). This variant has not been reported in the literature in individuals affected with RP1-related conditions. ClinVar contains an entry for this variant (Variation ID: 860048). An algorithm developed to predict the effect of missense changes on protein structure and function (PolyPhen-2) suggests that this variant is likely to be disruptive. In summary, the available evidence is currently insufficient to determine the role of this variant in disease. Therefore, it has been classified as a Variant of Uncertain Significance.